The following is an entry in ClinVar:

NM_007055.4(POLR3A):c.1045C>T (p.Gln349Ter)

Gene: POLR3A (RNA polymerase III subunit A; minus strand). Cytogenetic location: 10q22.3.
Variant type: single nucleotide variant.
Coding change: c.1045C>T on transcript NM_007055.4 (MANE Select); coding-DNA position 1045, C replaced by T.
Protein change: p.Gln349Ter; replaces glutamine 349 with a stop codon.
Molecular consequence: nonsense.
Genome position (GRCh38, 1-based): chr10:78,021,863, G>A on the plus strand (C>T on the coding strand, the complement: POLR3A is on the minus strand). VCF-style: chr10-78021863-G-A. GRCh37 (hg19) VCF-style: chr10-79781621-G-A.
Other names: short protein forms Q349*.
Identifiers: ClinVar variation 4761816 (VCV004761816.1).

ClinVar aggregate classification (germline): Pathogenic (1 of 4 stars; one submission).

Submission:

Labcorp Genetics (formerly Invitae), Labcorp
Classification: Pathogenic. Last evaluated: 2026-01-25. Review status: criteria provided, single submitter. Criteria: Invitae Variant Classification Sherloc (09022015). Collection method: clinical testing. Allele origin: germline.
Comment: This sequence change creates a premature translational stop signal (p.Gln349*) in the POLR3A gene. It is expected to result in an absent or disrupted protein product. Loss-of-function variants in POLR3A are known to be pathogenic (PMID: 21855841, 25339210, 27612211, 30414627, 30450527). This variant is not present in population databases (gnomAD no frequency). This variant has not been reported in the literature in individuals affected with POLR3A-related conditions. For these reasons, this variant has been classified as Pathogenic.

Literature cited by the submitters: PubMed 21855841; PubMed 25339210; PubMed 27612211; PubMed 30414627; PubMed 30450527.